The following is an entry in ClinVar:

NM_001365951.3(KIF1B):c.2356A>G (p.Lys786Glu)

Gene: KIF1B (kinesin family member 1B; plus strand). Cytogenetic location: 1p36.22.
Variant type: single nucleotide variant.
Coding change: c.2356A>G on transcript NM_001365951.3 (MANE Select); coding-DNA position 2356, A replaced by G.
Protein change: p.Lys786Glu; replaces lysine 786 with glutamic acid.
Molecular consequence: missense variant.
Genome position (GRCh38, 1-based): chr1:10,321,855, A>G. VCF-style: chr1-10321855-A-G. GRCh37 (hg19) VCF-style: chr1-10381913-A-G.
Other names: c.2356A>G, p.Lys786Glu (NM_001365952.1); c.2218A>G, p.Lys740Glu (NM_015074.3); short protein forms K740E, K786E.
Identifiers: ClinVar variation 1787858 (VCV001787858.3), dbSNP rs993285684, ClinGen allele CA17832300.

ClinVar aggregate classification (germline): Uncertain significance (1 of 4 stars; one submission).

Allele frequency attached by ClinVar (database versions not stated): gnomAD exomes below 0.00001; gnomAD 0.00001; TOPMed 0.00001.
gnomAD v4.1: 2 of 1,614,000 alleles (0.00012%); highest among the groups gnomAD compares: Non-Finnish European, 0.00017%; no homozygotes.

Submission:

Ambry Genetics
Classification: Uncertain significance. Last evaluated: 2023-04-25. Review status: criteria provided, single submitter. Criteria: Ambry Variant Classification Scheme 2023. Collection method: clinical testing. Allele origin: germline.
Comment: The p.K740E variant (also known as c.2218A>G), located in coding exon 21 of the KIF1B gene, results from an A to G substitution at nucleotide position 2218. The lysine at codon 740 is replaced by glutamic acid, an amino acid with similar properties. This amino acid position is highly conserved in available vertebrate species. In addition, this alteration is predicted to be deleterious by in silico analysis. Since supporting evidence is limited at this time, the clinical significance of this alteration remains unclear.